The following is an entry in ClinVar:

NM_014629.4(ARHGEF10):c.886A>C (p.Lys296Gln)

Gene: ARHGEF10 (Rho guanine nucleotide exchange factor 10; plus strand). Cytogenetic location: 8p23.3.
Variant type: single nucleotide variant.
Coding change: c.886A>C on transcript NM_014629.4 (MANE Select); coding-DNA position 886, A replaced by C.
Protein change: p.Lys296Gln; replaces lysine 296 with glutamine.
Molecular consequence: missense variant. On other transcripts: intron variant (1).
Genome position (GRCh38, 1-based): chr8:1,880,090, A>C. VCF-style: chr8-1880090-A-C. GRCh37 (hg19) VCF-style: chr8-1828256-A-C.
Other names: c.889A>C, p.Lys297Gln (NM_001308153.3); c.847-2545A>C (NM_001308152.2); short protein forms K296Q, K321Q, K297Q.
Identifiers: ClinVar variation 1369854 (VCV001369854.9), dbSNP rs767627004, ClinGen allele CA4600093.
Genomic context (GRCh38, chr8:1,880,090, plus strand): 5'-TGTCTCTTTATGCTGTAGCTTTCTCATGACCTAACCCGTTTAAAGGAGCACTATGAGAAA[A>C]AGATGAGAGATTTGATGGCAAGCACGGTGGGCGTGGTGGAGATTCAGCAGCTCAGGCAGA-3'
Protein context (NP_055444.2, residues 286-306): LTRLKEHYEK[Lys296Gln]MRDLMASTVG

ClinVar aggregate classification (germline): Uncertain significance. Review status: criteria provided, multiple submitters, no conflicts (2 of 4 stars). 2 submissions from 2 submitters: Uncertain significance (2). Last evaluated 2023-03-03.

Allele frequency attached by ClinVar (database versions not stated): gnomAD exomes below 0.00001; ExAC 0.00001; gnomAD 0.00001; TOPMed 0.00001.
gnomAD v4.1: 3 of 1,614,038 alleles (0.00019%); highest among the groups gnomAD compares: African/African-American, 0.0027%; no homozygotes.

Submissions (2):

GeneDx
Classification: Uncertain significance. Last evaluated: 2023-03-03. Review status: criteria provided, single submitter. Criteria: GeneDx Variant Classification Process June 2021. Collection method: clinical testing. Allele origin: germline. Affected: yes.
Comment: In silico analysis supports that this missense variant does not alter protein structure/function; Has not been previously published as pathogenic or benign to our knowledge

Labcorp Genetics (formerly Invitae), Labcorp
Classification: Uncertain significance. Last evaluated: 2021-07-26. Review status: criteria provided, single submitter. Criteria: Invitae Variant Classification Sherloc (09022015). Collection method: clinical testing. Allele origin: germline.
Comment: In summary, the available evidence is currently insufficient to determine the role of this variant in disease. Therefore, it has been classified as a Variant of Uncertain Significance. Algorithms developed to predict the effect of missense changes on protein structure and function are either unavailable or do not agree on the potential impact of this missense change (SIFT: "Tolerated"; PolyPhen-2: "Possibly Damaging"; Align-GVGD: "Class C0"). This variant has not been reported in the literature in individuals affected with ARHGEF10-related conditions. This variant is present in population databases (rs767627004, ExAC 0.01%). This sequence change replaces lysine with glutamine at codon 296 of the ARHGEF10 protein (p.Lys296Gln). The lysine residue is weakly conserved and there is a small physicochemical difference between lysine and glutamine.